The following is an entry in ClinVar:

ClinVar aggregate classification (germline): Uncertain significance (1 of 4 stars; one submission).

gnomAD v4.1: 1 of 1,614,110 alleles (0.000062%); highest among the groups gnomAD compares: Admixed American, 0.0017%; no homozygotes.

Submission:

Ambry Genetics
Classification: Uncertain significance. Last evaluated: 2022-12-16. Review status: criteria provided, single submitter. Criteria: Ambry Variant Classification Scheme 2023. Collection method: clinical testing. Allele origin: germline.
Comment: The p.V689I variant (also known as c.2065G>A), located in coding exon 13 of the POLQ gene, results from a G to A substitution at nucleotide position 2065. The valine at codon 689 is replaced by isoleucine, an amino acid with highly similar properties. This amino acid position is conserved. In addition, this alteration is predicted to be tolerated by in silico analysis. Since supporting evidence is limited at this time, the clinical significance of this alteration remains unclear.

NM_199420.4(POLQ):c.2065G>A (p.Val689Ile)

Gene: POLQ (DNA polymerase theta; minus strand). Cytogenetic location: 3q13.33.
Variant type: single nucleotide variant.
Coding change: c.2065G>A on transcript NM_199420.4 (MANE Select); coding-DNA position 2065, G replaced by A.
Protein change: p.Val689Ile; replaces valine 689 with isoleucine.
Molecular consequence: missense variant.
Genome position (GRCh38, 1-based): chr3:121,498,565, C>T on the plus strand (G>A on the coding strand, the complement: POLQ is on the minus strand). VCF-style: chr3-121498565-C-T. GRCh37 (hg19) VCF-style: chr3-121217412-C-T.
Other names: short protein forms V689I.
Identifiers: ClinVar variation 2448940 (VCV002448940.2), dbSNP rs757754681, ClinGen allele CA354110304.